The following is an entry in ClinVar:

NM_016203.4(PRKAG2):c.1584+20C>G

Gene: PRKAG2 (protein kinase AMP-activated non-catalytic subunit gamma 2; minus strand). Cytogenetic location: 7q36.1.
Variant type: single nucleotide variant.
Coding change: c.1584+20C>G on transcript NM_016203.4 (MANE Select); 20 bases into the intron after coding-DNA position 1584, C replaced by G.
Molecular consequence: intron variant.
Genome position (GRCh38, 1-based): chr7:151,564,058, G>C on the plus strand (C>G on the coding strand, the complement: PRKAG2 is on the minus strand). VCF-style: chr7-151564058-G-C. GRCh37 (hg19) VCF-style: chr7-151261144-G-C.
Other names: c.1452+20C>G (NM_001040633.2); c.1209+20C>G (NM_001304527.2); c.1212+20C>G (NM_001363698.2); c.861+20C>G (NM_001304531.2, NM_024429.2).
Identifiers: ClinVar variation 668160 (VCV000668160.1), dbSNP rs1450315040, ClinGen allele CA915945580.
Genomic context (GRCh38, chr7:151,564,058, plus strand): 5'-AGGCTTCCAGAGGCATCATTCACTACTGGGGACTTGTTGCAGTGGACGTCGGGGGAGCAG[G>C]ACTGGGAAAGCCGTCTCACCTCAGCTCTTACTATTCTGTCCACGATGGTCTCCAGTATTT-3'

ClinVar aggregate classification (germline): Likely benign (1 of 4 stars; one submission).

Submission:

GeneDx
Classification: Likely benign. Last evaluated: 2018-05-04. Review status: criteria provided, single submitter. Criteria: GeneDx Variant Classification (06012015). Collection method: clinical testing. Allele origin: germline. Affected: yes.
Comment: This variant is considered likely benign or benign based on one or more of the following criteria: it is a conservative change, it occurs at a poorly conserved position in the protein, it is predicted to be benign by multiple in silico algorithms, and/or has population frequency not consistent with disease.